The following is an entry in ClinVar:

ClinVar aggregate classification (germline): Uncertain significance. Review status: criteria provided, multiple submitters, no conflicts (2 of 4 stars). 2 submissions from 2 submitters: Uncertain significance (2). Last evaluated 2025-10-15.

Conditions:
Inborn genetic diseases. Identifiers: MedGen C0950123, MeSH D030342.

Submissions (2):

Ambry Genetics
Classification: Uncertain significance for Inborn genetic diseases. Last evaluated: 2025-10-15. Review status: criteria provided, single submitter. Criteria: Ambry Variant Classification Scheme 2023. Collection method: clinical testing. Allele origin: germline.

Labcorp Genetics (formerly Invitae), Labcorp
Classification: Uncertain significance. Last evaluated: 2022-06-28. Review status: criteria provided, single submitter. Criteria: Invitae Variant Classification Sherloc (09022015). Collection method: clinical testing. Allele origin: germline.
Comment: In summary, the available evidence is currently insufficient to determine the role of this variant in disease. Therefore, it has been classified as a Variant of Uncertain Significance. Algorithms developed to predict the effect of missense changes on protein structure and function (SIFT, PolyPhen-2, Align-GVGD) all suggest that this variant is likely to be tolerated. This variant has not been reported in the literature in individuals affected with TUBGCP6-related conditions. This variant is not present in population databases (gnomAD no frequency). This sequence change replaces arginine, which is basic and polar, with glycine, which is neutral and non-polar, at codon 1453 of the TUBGCP6 protein (p.Arg1453Gly).

NM_020461.4(TUBGCP6):c.4357C>G (p.Arg1453Gly)

Gene: TUBGCP6 (tubulin gamma complex component 6; minus strand). Cytogenetic location: 22q13.33.
Variant type: single nucleotide variant.
Coding change: c.4357C>G on transcript NM_020461.4 (MANE Select); coding-DNA position 4357, C replaced by G.
Protein change: p.Arg1453Gly; replaces arginine 1453 with glycine.
Molecular consequence: missense variant.
Genome position (GRCh38, 1-based): chr22:50,219,415, G>C on the plus strand (C>G on the coding strand, the complement: TUBGCP6 is on the minus strand). VCF-style: chr22-50219415-G-C. GRCh37 (hg19) VCF-style: chr22-50657844-G-C.
Other names: c.4357C>G (NM_020461.3); short protein forms R1453G.
Identifiers: ClinVar variation 1388046 (VCV001388046.7), dbSNP rs200744244, ClinGen allele CA412172472.